The following is an entry in ClinVar:

NM_001360.3(DHCR7):c.952del (p.Tyr318fs)

Gene: DHCR7 (7-dehydrocholesterol reductase; minus strand). Cytogenetic location: 11q13.4.
Variant type: Deletion.
Coding change: c.952del on transcript NM_001360.3 (MANE Select); coding-DNA position 952, one base deleted (T; older notation c.952delT).
Protein change: p.Tyr318fs; shifts the reading frame from tyrosine 318.
Molecular consequence: frameshift variant.
Genome position (GRCh38, 1-based): chr11:71,437,823, A deleted on the plus strand (T on the coding strand, the reverse complement: DHCR7 is on the minus strand); the first of 3 consecutive A bases (chr11:71,437,823-71,437,825); deleting any one gives the same sequence. VCF-style (leftmost placement, unchanged base first): chr11-71437822-TA-T. GRCh37 (hg19) VCF-style: chr11-71148868-TA-T.
Other names: c.952del, p.Tyr318fs (NM_001163817.2); c.952delT (NM_001360.2); short protein forms Y318fs.
Identifiers: ClinVar variation 558432 (VCV000558432.6), dbSNP rs1555145859, ClinGen allele CA658823154.

ClinVar aggregate classification (germline): Pathogenic/Likely pathogenic. Review status: criteria provided, multiple submitters, no conflicts (2 of 4 stars). 3 submissions from 3 submitters: Pathogenic (1); Likely pathogenic (1). 1 of the submissions does not count toward it. Last evaluated 2024-05-14.

Conditions:
Smith-Lemli-Opitz syndrome (SLOS). Also called: 7-Dehydrocholesterol reductase deficiency; POLYDACTYLY, SEX REVERSAL, RENAL HYPOPLASIA, AND UNILOBAR LUNG; RSH SYNDROME; RUTLEDGE LETHAL MULTIPLE CONGENITAL ANOMALY SYNDROME; LETHAL ACRODYSGENITAL SYNDROME. Identifiers: Orphanet 818, MedGen C0175694, MONDO:0010035, OMIM 270400.

Submissions (3):

Natera, Inc.
Classification: Likely pathogenic for Smith-Lemli-Opitz syndrome. Last evaluated: 2024-05-14. Review status: criteria provided, single submitter. Criteria: Natera Variant Classification Schema (03/2026). Collection method: clinical testing. Allele origin: germline.
Comment: The c.952delT variant in DHCR7 is a frameshift variant predicted to shift the reading frame beginning at codon 318 and leads to a stop codon 95 codons downstream. This variant is expected to result in nonsense mediated decay, truncation, or a dysfunctional protein product. This variant is rare in the general population with a frequency below the threshold expected for the associated phenotype(s). Given the available evidence, this variant is classified as Likely Pathogenic.

Labcorp Genetics (formerly Invitae), Labcorp
Classification: Pathogenic for Smith-Lemli-Opitz syndrome. Last evaluated: 2023-11-05. Review status: criteria provided, single submitter. Criteria: Invitae Variant Classification Sherloc (09022015). Collection method: clinical testing. Allele origin: germline.
Comment: This sequence change creates a premature translational stop signal (p.Tyr318Thrfs*95) in the DHCR7 gene. While this is not anticipated to result in nonsense mediated decay, it is expected to disrupt the last 158 amino acid(s) of the DHCR7 protein. This variant is not present in population databases (gnomAD no frequency). This variant has not been reported in the literature in individuals affected with DHCR7-related conditions. ClinVar contains an entry for this variant (Variation ID: 558432). This variant disrupts a region of the DHCR7 protein in which other variant(s) (p.Phe475Ser) have been determined to be pathogenic (PMID: 15776424). This suggests that this is a clinically significant region of the protein, and that variants that disrupt it are likely to be disease-causing. For these reasons, this variant has been classified as Pathogenic.

Counsyl
Classification: Likely pathogenic for Smith-Lemli-Opitz syndrome. Last evaluated: 2018-05-22. Review status: no assertion criteria provided. Collection method: clinical testing. Allele origin: unknown. Not counted in ClinVar's aggregate classification.

Literature cited by the submitters: PubMed 15776424 (cited by Labcorp Genetics (formerly Invitae), Labcorp).